The following is an entry in ClinVar:

ClinVar aggregate classification (germline): Uncertain significance (1 of 4 stars; one submission).

Conditions:
Juvenile polyposis syndrome (JPS). Identifiers: Orphanet 2929, MedGen C0345893, MONDO:0017380, OMIM 174900.

Submission:

Labcorp Genetics (formerly Invitae), Labcorp
Classification: Uncertain significance for Juvenile polyposis syndrome. Last evaluated: 2024-12-06. Review status: criteria provided, single submitter. Criteria: Invitae Variant Classification Sherloc (09022015). Collection method: clinical testing. Allele origin: germline.
Comment: This sequence change replaces glutamine, which is neutral and polar, with arginine, which is basic and polar, at codon 183 of the SMAD4 protein (p.Gln183Arg). This variant is not present in population databases (gnomAD no frequency). This variant has not been reported in the literature in individuals affected with SMAD4-related conditions. Invitae Evidence Modeling of protein sequence and biophysical properties (such as structural, functional, and spatial information, amino acid conservation, physicochemical variation, residue mobility, and thermodynamic stability) has been performed for this missense variant. However, the output from this modeling did not meet the statistical confidence thresholds required to predict the impact of this variant on SMAD4 protein function. In summary, the available evidence is currently insufficient to determine the role of this variant in disease. Therefore, it has been classified as a Variant of Uncertain Significance.

NM_005359.6(SMAD4):c.548A>G (p.Gln183Arg)

Gene: SMAD4 (SMAD family member 4; plus strand). Cytogenetic location: 18q21.2.
Variant type: single nucleotide variant.
Coding change: c.548A>G on transcript NM_005359.6 (MANE Select); coding-DNA position 548, A replaced by G.
Protein change: p.Gln183Arg; replaces glutamine 183 with arginine.
Molecular consequence: missense variant. On other transcripts: non-coding transcript variant (2).
Genome position (GRCh38, 1-based): chr18:51,054,874, A>G. VCF-style: chr18-51054874-A-G. GRCh37 (hg19) VCF-style: chr18-48581244-A-G.
Other names: c.548A>G, p.Gln183Arg (NM_001407041.1, NM_001407042.1, NM_001407043.1); short protein forms Q183R.
Identifiers: ClinVar variation 3682091 (VCV003682091.2).
Genomic context (GRCh38, chr18:51,054,874, plus strand): 5'-TGCATGACTTTGAGGGACAGCCATCGTTGTCCACTGAAGGACATTCAATTCAAACCATCC[A>G]GCATCCACCAAGTAATCGTGCATCGACAGAGACATACAGCACCCCAGCTCTGTTAGCCCC-3'
Protein context (NP_005350.1, residues 173-193): STEGHSIQTI[Gln183Arg]HPPSNRASTE